The following is an entry in ClinVar:

NM_001130965.3(SUN1):c.2242A>G (p.Lys748Glu)

Gene: SUN1 (Sad1 and UNC84 domain containing 1; plus strand). Cytogenetic location: 7p22.3.
Variant type: single nucleotide variant.
Coding change: c.2242A>G on transcript NM_001130965.3 (MANE Select); coding-DNA position 2242, A replaced by G.
Protein change: p.Lys748Glu; replaces lysine 748 with glutamic acid.
Molecular consequence: missense variant. On other transcripts: non-coding transcript variant (3), intron variant (1).
Genome position (GRCh38, 1-based): chr7:873,215, A>G. VCF-style: chr7-873215-A-G. GRCh37 (hg19) VCF-style: chr7-912852-A-G.
Other names: c.1528A>G, p.Lys510Glu (NM_001367658.1); c.2059A>G, p.Lys687Glu (NM_001367660.1); c.1996A>G, p.Lys666Glu (NM_001367662.1); c.2353A>G, p.Lys785Glu (NM_001367664.1); c.2146A>G, p.Lys716Glu (NM_001367665.1); c.2485A>G, p.Lys829Glu (NM_001367666.1); c.2110A>G, p.Lys704Glu (NM_001367667.1); c.2284A>G, p.Lys762Glu (NM_001367668.1); and 56 more; short protein forms K725E, K731E, K737E, K762E, K774E, K791E, K809E, K812E.
Identifiers: ClinVar variation 4739420 (VCV004739420.1).

ClinVar aggregate classification (germline): Uncertain significance (1 of 4 stars; one submission).

Conditions:
Emery-Dreifuss muscular dystrophy (EDMD). Also called: Scapuloperoneal syndrome, X-linked (formerly); Humeroperoneal neuromuscular disease, (formerly). Identifiers: Orphanet 261, MedGen C0410189, MONDO:0016830.

gnomAD v4.1: 2 of 1,614,090 alleles (0.00012%); highest among the groups gnomAD compares: African/African-American, 0.0027%; no homozygotes.

Submission:

Labcorp Genetics (formerly Invitae), Labcorp
Classification: Uncertain significance for Emery-Dreifuss muscular dystrophy. Last evaluated: 2025-03-18. Review status: criteria provided, single submitter. Criteria: Invitae Variant Classification Sherloc (09022015). Collection method: clinical testing. Allele origin: germline.
Comment: This sequence change replaces lysine, which is basic and polar, with glutamic acid, which is acidic and polar, at codon 748 of the SUN1 protein (p.Lys748Glu). This variant is present in population databases (rs780629087, gnomAD 0.007%). This variant has not been reported in the literature in individuals affected with SUN1-related conditions. An algorithm developed to predict the effect of missense changes on protein structure and function outputs the following: PolyPhen-2: "Benign". The glutamic acid amino acid residue is found in multiple mammalian species, which suggests that this missense change does not adversely affect protein function. In summary, the available evidence is currently insufficient to determine the role of this variant in disease. Therefore, it has been classified as a Variant of Uncertain Significance.